The following is an entry in ClinVar:

ClinVar aggregate classification (germline): Likely benign (0 of 4 stars; one submission).

Conditions:
TPP2-related disorder. Also called: TPP2-related condition.

Submission:

PreventionGenetics, part of Exact Sciences
Classification: Likely benign for TPP2-related condition. Last evaluated: 2019-07-15. Review status: no assertion criteria provided. Collection method: clinical testing. Allele origin: germline.
Comment: This variant is classified as likely benign based on ACMG/AMP sequence variant interpretation guidelines (Richards et al. 2015 PMID: 25741868, with internal and published modifications).

NM_001330588.2(TPP2):c.48G>T (p.Leu16=)

Gene: TPP2 (tripeptidyl peptidase 2; plus strand). Cytogenetic location: 13q33.1.
Variant type: single nucleotide variant.
Coding change: c.48G>T on transcript NM_001330588.2 (MANE Select); coding-DNA position 48, G replaced by T.
Protein change: p.Leu16=; no amino-acid change (leucine 16 retained).
Molecular consequence: synonymous variant. On other transcripts: non-coding transcript variant (1).
Genome position (GRCh38, 1-based): chr13:102,597,086, G>T. VCF-style: chr13-102597086-G-T. GRCh37 (hg19) VCF-style: chr13-103249436-G-T.
Other names: c.48G>T, p.Leu16= (NM_001367947.1, NM_003291.4).
Identifiers: ClinVar variation 3049852 (VCV003049852.2), dbSNP rs2503772171, ClinGen allele CA484858893.